The following is an entry in ClinVar:

ClinVar aggregate classification (germline): Uncertain significance. Review status: criteria provided, multiple submitters, no conflicts (2 of 4 stars). 8 submissions from 8 submitters: Uncertain significance (7). 1 of the submissions does not count toward it. Last evaluated 2025-12-23.

Conditions:
Hereditary nonpolyposis colorectal neoplasms. Identifiers: MedGen C0009405, MeSH D003123.
Hereditary cancer-predisposing syndrome. Also called: Tumor predisposition; Hereditary neoplastic syndrome; Hereditary Cancer Syndrome; Neoplastic Syndromes, Hereditary. Identifiers: Orphanet 140162, MedGen C0027672, MeSH D009386, MONDO:0015356.
Malignant tumor of breast. Also called: Malignant breast neoplasm; Cancer breast. Identifiers: MedGen C0006142, MONDO:0007254. Disease mechanism: loss of function.

Submissions (8):

Labcorp Genetics (formerly Invitae), Labcorp
Classification: Uncertain significance for Hereditary nonpolyposis colorectal neoplasms. Last evaluated: 2025-12-23. Review status: criteria provided, single submitter. Criteria: Invitae Variant Classification Sherloc (09022015). Collection method: clinical testing. Allele origin: germline.
Comment: This sequence change replaces arginine, which is basic and polar, with glutamine, which is neutral and polar, at codon 813 of the PMS2 protein (p.Arg813Gln). The frequency data for this variant in the population databases (gnomAD) is considered unreliable due to the presence of homologous sequence, such as pseudogenes or paralogs, in the genome. This missense change has been observed in individual(s) with breast cancer (PMID: 29752822, 32547938). ClinVar contains an entry for this variant (Variation ID: 418793). Invitae Evidence Modeling incorporating data from in vitro experimental studies (internal data) indicates that this missense variant is not expected to disrupt PMS2 function with a negative predictive value of 95%. In summary, the available evidence is currently insufficient to determine the role of this variant in disease. Therefore, it has been classified as a Variant of Uncertain Significance.

Color Diagnostics, LLC DBA Color Health
Classification: Uncertain significance for Hereditary cancer-predisposing syndrome. Last evaluated: 2025-06-05. Review status: criteria provided, single submitter. Criteria: ACMG Guidelines, 2015. Collection method: clinical testing. Allele origin: germline.
Comment: This missense variant replaces arginine with glutamine at codon 813 of the PMS2 protein. Computational prediction suggests that this variant may have deleterious impact on protein structure and function. To our knowledge, functional studies have not been reported for this variant. This variant has been reported in individuals affected with breast cancer (PMID: 29752822, 32547938), or endometrial case with microsatellite stability and normal immunohistochemistry results (PMID: 31307542). This variant has been identified in 4/205050 chromosomes in the general population by the Genome Aggregation Database (gnomAD). The available evidence is insufficient to determine the role of this variant in disease conclusively. Therefore, this variant is classified as a Variant of Uncertain Significance.

Ambry Genetics
Classification: Uncertain significance for Hereditary cancer-predisposing syndrome. Last evaluated: 2025-03-10. Review status: criteria provided, single submitter. Criteria: Ambry Variant Classification Scheme 2023. Collection method: clinical testing. Allele origin: germline.
Comment: The p.R813Q variant (also known as c.2438G>A), located in coding exon 14 of the PMS2 gene, results from a G to A substitution at nucleotide position 2438. The arginine at codon 813 is replaced by glutamine, an amino acid with highly similar properties. This alteration has been identified in individuals with a personal and/or family history of breast and/or uterine cancer (Chao X et al. Cancer Commun (Lond), 2019 07;39:42; Li JY et al. Int. J. Cancer, 2019 01;144:281-289; Nikitin AG et al. Front Oncol, 2020 May;10:666). This amino acid position is highly conserved in available vertebrate species. In addition, this alteration is predicted to be deleterious by in silico analysis. Based on the available evidence, the clinical significance of this variant remains unclear.

Laboratory of Genetics, Children's Clinical University Hospital Latvia
Classification: Uncertain significance. Last evaluated: 2025-02-16. Review status: criteria provided, single submitter. Criteria: ACMG Guidelines, 2015. Collection method: clinical testing. Allele origin: germline. Affected: yes.

Quest Diagnostics Nichols Institute San Juan Capistrano
Classification: Uncertain significance. Last evaluated: 2019-07-23. Review status: criteria provided, single submitter. Criteria: Quest Diagnostics criteria. Collection method: clinical testing. Allele origin: germline.

CeGaT Center for Human Genetics Tuebingen
Classification: Uncertain significance. Last evaluated: 2019-04-01. Review status: criteria provided, single submitter. Criteria: CeGaT Center For Human Genetics Tuebingen Variant Classification Criteria Version 2. Collection method: clinical testing. Allele origin: germline. Affected: yes. Observed: 1 variant allele.

GeneDx
Classification: Uncertain significance. Last evaluated: 2017-02-06. Review status: criteria provided, single submitter. Criteria: GeneDx Variant Classification (06012015). Collection method: clinical testing. Allele origin: germline. Affected: yes.
Comment: This variant is denoted PMS2 c.2438G>A at the cDNA level, p.Arg813Gln (R813Q) at the protein level, and results in the change of an Arginine to a Glutamine (CGG>CAG). This variant has not, to our knowledge, been published in the literature as either a pathogenic germline variant or a benign polymorphism. However, it has been reported as a somatic variant in a colorectal cancer specimen (Kim 2015). PMS2 Arg813Gln was not observed in approximately 6,500 individuals of European and African American ancestry in the NHLBI Exome Sequencing Project, indicating it is not a common benign variant in these populations. Since Arginine and Glutamine differ in some properties, this is considered a semi-conservative amino acid substitution. PMS2 Arg813Gln occurs at a position that is conserved across species and is within the endonuclease domain (Fukui 2011). In silico analyses predict that this variant is probably damaging to protein structure and function. Based on currently available information, it is unclear whether PMS2 Arg813Gln is pathogenic or benign. We consider it to be a variant of uncertain significance.

Department of Pathology and Laboratory Medicine, Sinai Health System
Classification: Uncertain significance for Malignant tumor of breast. Review status: no assertion criteria provided. Collection method: clinical testing. Allele origin: unknown. Affected: yes. Study: The Canadian Open Genetics Repository (COGR). Not counted in ClinVar's aggregate classification.
Comment: The PMS2 p.Arg813Gln variant was identified in 1 of 222 proband chromosomes (frequency: 0.005) from individuals with endometrial cancer (Chao 2019). The variant was identified in dbSNP (rs587782665) as â€šÃ„Ãºwith uncertain significance alleleâ€šÃ„Ã¹ and ClinVar (classified as uncertain significance by Invitae, Ambry Genetics and GeneDx). The variant was identified in control databases in 4 of 205,050 chromosomes at a frequency of 0.00002 (Genome Aggregation Database Feb 27, 2017). The variant was observed in the following populations: East Asian in 3 of 15,664 chromosomes (freq: 0.0002) and European in 1 of 85,616 chromosomes (freq: 0.00001), while it was not observed in the African, Latino, Ashkenazi Jewish, Finnish, Other or South Asian populations. The p.Arg813 residue is conserved across mammals and other organisms, and four out of five computational analyses (PolyPhen-2, SIFT, AlignGVGD, BLOSUM, MutationTaster) suggest that the variant may impact the protein; however, this information is not predictive enough to assume pathogenicity. The variant occurs outside of the splicing consensus sequence and in silico or computational prediction software programs (SpliceSiteFinder, MaxEntScan, NNSPLICE, GeneSplicer) do not predict a difference in splicing. In summary, based on the above information, the clinical significance of this variant cannot be determined with certainty at this time. This variant is classified as a variant of uncertain significance.

Literature cited by the submitters: PubMed 29752822 (cited by 3 submitters); PubMed 32547938 (cited by 3 submitters); PubMed 31307542 (cited by Color Diagnostics, LLC DBA Color Health and Ambry Genetics); PubMed 27978560 (cited by Quest Diagnostics Nichols Institute San Juan Capistrano).

NM_000535.7(PMS2):c.2438G>A (p.Arg813Gln)

Gene: PMS2 (PMS1 homolog 2, mismatch repair system component; minus strand). Cytogenetic location: 7p22.1.
Variant type: single nucleotide variant.
Coding change: c.2438G>A on transcript NM_000535.7 (MANE Select); coding-DNA position 2438, G replaced by A.
Protein change: p.Arg813Gln; replaces arginine 813 with glutamine.
Molecular consequence: missense variant. On other transcripts: non-coding transcript variant (1).
Genome position (GRCh38, 1-based): chr7:5,977,595, C>T on the plus strand (G>A on the coding strand, the complement: PMS2 is on the minus strand). VCF-style: chr7-5977595-C-T. GRCh37 (hg19) VCF-style: chr7-6017226-C-T.
Other names: c.2033G>A, p.Arg678Gln (NM_001322003.2, NM_001322004.2, NM_001322005.2); c.2282G>A, p.Arg761Gln (NM_001322006.2); c.2120G>A, p.Arg707Gln (NM_001322007.2, NM_001322008.2); c.2066G>A, p.Arg689Gln (NM_001322009.2); c.1877G>A, p.Arg626Gln (NM_001322010.2); c.1505G>A, p.Arg502Gln (NM_001322011.2, NM_001322012.2); c.1865G>A, p.Arg622Gln (NM_001322013.2); c.2471G>A, p.Arg824Gln (NM_001322014.2); and 1 more; short protein forms R813Q, R622Q, R678Q, R707Q, R824Q, R710Q, R502Q, R626Q.
Identifiers: ClinVar variation 418793 (VCV000418793.62), dbSNP rs587782665, ClinGen allele CA16618486.
Genomic context (GRCh38, chr7:5,977,595, plus strand): 5'-CCTCGACTGCAAGCTTGAGCAGCTGAGCTGACAGCCAGGCTTTCTTTACTTACCGACTTC[C>T]GGCAGGCTCTGGAGGCAAACATCTGCTTGACTCGGGAAGGCCGGCACATGACCCCAGGGC-3'
Protein context (NP_000526.2, residues 803-823): VKQMFASRAC[Arg813Gln]KSVMIGTALN